The following is an entry in ClinVar:

NM_001256789.3(CACNA1F):c.4142G>A (p.Ser1381Asn)

Gene: CACNA1F (calcium voltage-gated channel subunit alpha1 F; minus strand). Cytogenetic location: Xp11.23.
Variant type: single nucleotide variant.
Coding change: c.4142G>A on transcript NM_001256789.3 (MANE Select); coding-DNA position 4142, G replaced by A.
Protein change: p.Ser1381Asn; replaces serine 1381 with asparagine.
Molecular consequence: missense variant.
Genome position (GRCh38, 1-based): chrX:49,211,440, C>T on the plus strand (G>A on the coding strand, the complement: CACNA1F is on the minus strand). VCF-style: chrX-49211440-C-T. GRCh37 (hg19) VCF-style: chrX-49067900-C-T.
Other names: c.3980G>A, p.Ser1327Asn (NM_001256790.3); c.4175G>A, p.Ser1392Asn (NM_005183.4); short protein forms S1327N, S1381N, S1392N.
Identifiers: ClinVar variation 861090 (VCV000861090.8), dbSNP rs142157495, ClinGen allele CA10410256.

ClinVar aggregate classification (germline): Uncertain significance. Review status: criteria provided, multiple submitters, no conflicts (2 of 4 stars). 2 submissions from 2 submitters: Uncertain significance (2). Last evaluated 2025-11-01.

Allele frequency attached by ClinVar (database versions not stated): ExAC 0.00005; gnomAD exomes 0.00007 and 0.00018; ESP Exome Variant Server 0.00009; gnomAD 0.00011; TOPMed 0.00014.
gnomAD v4.1: 215 of 1,208,690 alleles (0.018%); highest among the groups gnomAD compares: Non-Finnish European, 0.022%; no homozygotes.

Submissions (2):

Labcorp Genetics (formerly Invitae), Labcorp
Classification: Uncertain significance. Last evaluated: 2025-11-01. Review status: criteria provided, single submitter. Criteria: Invitae Variant Classification Sherloc (09022015). Collection method: clinical testing. Allele origin: germline.
Comment: This sequence change replaces serine, which is neutral and polar, with asparagine, which is neutral and polar, at codon 1392 of the CACNA1F protein (p.Ser1392Asn). This variant is present in population databases (rs142157495, gnomAD 0.01%). This variant has not been reported in the literature in individuals affected with CACNA1F-related conditions. ClinVar contains an entry for this variant (Variation ID: 861090). Invitae Evidence Modeling of protein sequence and biophysical properties (such as structural, functional, and spatial information, amino acid conservation, physicochemical variation, residue mobility, and thermodynamic stability) indicates that this missense variant is not expected to disrupt CACNA1F protein function with a negative predictive value of 80%. In summary, the available evidence is currently insufficient to determine the role of this variant in disease. Therefore, it has been classified as a Variant of Uncertain Significance.

Blueprint Genetics
Classification: Uncertain significance. Last evaluated: 2024-09-06. Review status: criteria provided, single submitter. Criteria: ACMG Guidelines, 2015. Collection method: clinical testing. Allele origin: germline.